The following is an entry in ClinVar:

ClinVar aggregate classification (germline): Uncertain significance (1 of 4 stars; one submission).

Conditions:
Ornithine carbamoyltransferase deficiency (OTCD). Also called: Ornithine Carbamoyltransferase Deficiency Disease; ORNITHINE TRANSCARBAMYLASE DEFICIENCY, HYPERAMMONEMIA DUE TO; ORNITHINE TRANSCARBAMYLASE DEFICIENCY; OTC DEFICIENCY. Identifiers: Orphanet 664, MedGen C0268542, MONDO:0010703, OMIM 311250.

Submission:

Labcorp Genetics (formerly Invitae), Labcorp
Classification: Uncertain significance for Ornithine carbamoyltransferase deficiency. Last evaluated: 2021-08-31. Review status: criteria provided, single submitter. Criteria: Invitae Variant Classification Sherloc (09022015). Collection method: clinical testing. Allele origin: germline.
Comment: This variant results in a copy number gain of the genomic region encompassing exon(s) 1 of the OTC gene. This region includes the initiator codon of the gene. This copy number gain extends beyond the assayed region for this gene and therefore may encompass additional genes. As the precise location of this event is unknown, it may be in tandem or it may be located elsewhere in the genome. A similar copy number variant has been observed in individual(s) with clinical features of OTC-related conditions (Invitae). In summary, the available evidence is currently insufficient to determine the role of this variant in disease. Therefore, it has been classified as a Variant of Uncertain Significance.

NC_000023.10:g.(?_37639262)_(38212036_?)dup

Genes: CYBB (cytochrome b-245 beta chain; plus strand), DYNLT3 (dynein light chain Tctex-type 3; minus strand), H2AP (H2A.P histone; plus strand), OTC (ornithine transcarbamylase; plus strand), RPGR (retinitis pigmentosa GTPase regulator; minus strand) and 2 more. Cytogenetic location: Xp11.4.
Variant type: Duplication.
Identifiers: ClinVar variation 2423237 (VCV002423237.4).